The following is an entry in ClinVar:

NM_000535.7(PMS2):c.2445+1763_*2del

Gene: PMS2 (PMS1 homolog 2, mismatch repair system component; minus strand). Cytogenetic location: 7p22.1.
Variant type: Deletion.
Coding change: c.2445+1763_*2del on transcript NM_000535.7 (MANE Select); 1763 bases into the intron after coding-DNA position 2445 through 2 bases downstream of the stop codon, 2,429 bases deleted.
Molecular consequence: splice acceptor variant.
Genome position (GRCh38, 1-based): chr7:5,973,397-5,975,825, 2,429 bases deleted. GRCh37 (hg19): chr7:6,013,028-6,015,456.
Other names: c.2127+1763_*2del (NM_001322008.2, NM_001322007.2); c.1884+1763_*2del (NM_001322010.2); c.2040+1763_*2del (NM_001322004.2, NM_001322003.2, NM_001322005.2); c.1872+1763_*2del (NM_001322013.2); c.1512+1763_*2del (NM_001322012.2, NM_001322011.2); c.2136+1763_*2del (NM_001322015.2); c.2289+1763_*2del (NM_001322006.2); c.2478+1763_*2del (NM_001322014.2); and 1 more.
Identifiers: ClinVar variation 1049762 (VCV001049762.1), ClinGen allele CA2499218929.

ClinVar aggregate classification (germline): Pathogenic (0 of 4 stars; one submission).

Conditions:
Endometrial carcinoma. Also called: Endometrial carcinoma, somatic. Identifiers: MedGen C0476089, MONDO:0002447, OMIM 608089, HP:0012114.

Submission:

Department of Pathology and Laboratory Medicine, Sinai Health System
Classification: Pathogenic for Endometrial carcinoma. Review status: no assertion criteria provided. Collection method: clinical testing. Allele origin: unknown. Affected: yes. Study: The Canadian Open Genetics Repository (COGR).
Comment: The PMS2 c.164-?_2589+?del variant (chr:7 g.6013030_6043689del GRCh37) results in a deletion of exons 3 to 15, although the precise breakpoints of this deletion were not determined, nor were the effects of this variant on the resulting mRNA or protein product determined. The PMS2 p.Asp55AlafsX24 variant was identified in 1 of 190 proband chromosomes (frequency: 0.005) from individuals or families with CRC or Lynch syndrome associated cancer and was not identified in 50 control chromosomes from healthy individuals(van der Klift_2010_20186688). The variant was also identified in Insight Colon Cancer Gene Variant Database, and Insight Hereditary Tumors Database, but not in dbSNP, ClinVar, Clinvitae, Genesight-COGR, Cosmic, MutDB, Zhejiang Colon Cancer Database, Mismatch Repair Genes Variant Database, the 1000 Genomes Project, the NHLBI GO Exome Sequencing Project, the Exome Aggregation Consortium (August 8th 2016), or the Genome Aggregation Database (Feb 27, 2017). The c.164-?_2589+?del variant is predicted to cause a frameshift, which alters the protein's amino acid sequence beginning at codon 55 and leads to a premature stop codon 24 codons downstream. This alteration is then predicted to result in a truncated or absent protein and loss of function. Loss of function variants of the PMS2 gene are an established mechanism of disease in Lynch syndrome and this is the type of variant expected to cause the disorder. In summary, based on the above information this variant meets our laboratoryâ€šÃ„Ã´s criteria to be classified as pathogenic.